The following is an entry in ClinVar:

NM_000038.6(APC):c.2405A>T (p.Asp802Val)

Gene: APC (APC regulator of Wnt signaling pathway; plus strand). Cytogenetic location: 5q22.2.
Variant type: single nucleotide variant.
Coding change: c.2405A>T on transcript NM_000038.6 (MANE Select); coding-DNA position 2405, A replaced by T.
Protein change: p.Asp802Val; replaces aspartic acid 802 with valine.
Molecular consequence: missense variant. On other transcripts: non-coding transcript variant (2).
Genome position (GRCh38, 1-based): chr5:112,837,999, A>T. VCF-style: chr5-112837999-A-T. GRCh37 (hg19) VCF-style: chr5-112173696-A-T.
Other names: c.2405A>T, p.Asp802Val (NM_001127510.3, NM_001354895.2, NM_001407450.1); c.2351A>T, p.Asp784Val (NM_001127511.3); c.2459A>T, p.Asp820Val (NM_001354896.2, NM_001407447.1, NM_001407448.1 and 1 more transcripts); c.2435A>T, p.Asp812Val (NM_001354897.2); c.2330A>T, p.Asp777Val (NM_001354898.2); c.2384A>T, p.Asp795Val (NM_001407451.1); c.2375A>T, p.Asp792Val (NM_001407452.1); c.2228A>T, p.Asp743Val (NM_001407453.1, NM_001354901.2); and 11 more; short protein forms D676V, D711V, D795V, D830V, D792V, D418V, D519V, D701V.
Identifiers: ClinVar variation 5025246 (VCV005025246.1).

ClinVar aggregate classification (germline): Uncertain significance (1 of 4 stars; one submission).

Conditions:
Hereditary cancer-predisposing syndrome. Also called: Neoplastic Syndromes, Hereditary; Tumor predisposition; Hereditary neoplastic syndrome; Hereditary Cancer Syndrome. Identifiers: Orphanet 140162, MedGen C0027672, MeSH D009386, MONDO:0015356.

Submission:

Ambry Genetics
Classification: Uncertain significance for Hereditary cancer-predisposing syndrome. Last evaluated: 2026-07-07. Review status: criteria provided, single submitter. Criteria: Ambry Variant Classification Scheme 2023. Collection method: clinical testing. Allele origin: germline.
Comment: The p.D802V variant (also known as c.2405A>T), located in coding exon 15 of the APC gene, results from an A to T substitution at nucleotide position 2405. The aspartic acid at codon 802 is replaced by valine, an amino acid with highly dissimilar properties. This amino acid position is conserved. In addition, in silico predictors for this gene do not accurately predict pathogenicity. Based on the available evidence, the clinical significance of this variant remains unclear.